The following is an entry in ClinVar:

NM_053025.4(MYLK):c.61C>T (p.Pro21Ser)

Gene: MYLK (myosin light chain kinase; minus strand). Cytogenetic location: 3q21.1.
Variant type: single nucleotide variant.
Coding change: c.61C>T on transcript NM_053025.4 (MANE Select); coding-DNA position 61, C replaced by T.
Protein change: p.Pro21Ser; replaces proline 21 with serine.
Molecular consequence: missense variant. On other transcripts: 5 prime UTR variant (1).
Genome position (GRCh38, 1-based): chr3:123,793,781, G>A on the plus strand (C>T on the coding strand, the complement: MYLK is on the minus strand). VCF-style: chr3-123793781-G-A. GRCh37 (hg19) VCF-style: chr3-123512628-G-A.
Other names: c.-260C>T (NM_001321309.2); c.61C>T, p.Pro21Ser (NM_053026.4, NM_053027.4, NM_053028.4); short protein forms P21S.
Identifiers: ClinVar variation 3876579 (VCV003876579.1).

ClinVar aggregate classification (germline): Uncertain significance (1 of 4 stars; one submission).

Conditions:
Familial thoracic aortic aneurysm and aortic dissection (TAAD). Also called: Thoracic aortic aneurysms and dissections. Identifiers: Orphanet 91387, MedGen C4707243, MONDO:0019625.

Submission:

Ambry Genetics
Classification: Uncertain significance for Familial thoracic aortic aneurysm and aortic dissection. Last evaluated: 2025-02-04. Review status: criteria provided, single submitter. Criteria: Ambry Variant Classification Scheme 2023. Collection method: clinical testing. Allele origin: germline.
Comment: The p.P21S variant (also known as c.61C>T), located in coding exon 1 of the MYLK gene, results from a C to T substitution at nucleotide position 61. The proline at codon 21 is replaced by serine, an amino acid with similar properties. This amino acid position is conserved. In addition, this alteration is predicted to be tolerated by in silico analysis. Based on the available evidence, the clinical significance of this variant remains unclear.